The following is an entry in ClinVar:

Conditions:
Long QT syndrome 5 (LQT5). Identifiers: Orphanet 101016, Orphanet 768, MedGen C1867904, MONDO:0013372, OMIM 613695.

Submission:

Roden Lab, Vanderbilt University Medical Center
No classification provided (evidence only). Condition: Long QT syndrome 5. Review status: no classification provided. Collection method: in vitro. Allele origin: not applicable. Functional consequence: Effect on ion channel function.
ClinVar note: "not provided" was previously submitted as the classification for the variant. However, the classification appeared to be based only on an observation of functional data so it was converted to no classification on 2025-07-30.

NM_000219.6(KCNE1):c.230C>A (p.Pro77Gln)

Gene: KCNE1 (potassium voltage-gated channel subfamily E regulatory subunit 1; minus strand). Cytogenetic location: 21q22.12.
Variant type: single nucleotide variant.
Coding change: c.230C>A on transcript NM_000219.6 (MANE Select); coding-DNA position 230, C replaced by A.
Protein change: p.Pro77Gln; replaces proline 77 with glutamine.
Molecular consequence: missense variant.
Genome position (GRCh38, 1-based): chr21:34,449,405, G>T on the plus strand (C>A on the coding strand, the complement: KCNE1 is on the minus strand). VCF-style: chr21-34449405-G-T. GRCh37 (hg19) VCF-style: chr21-35821703-G-T.
Other names: c.230C>A, p.Pro77Gln (NM_001127668.4, NM_001127669.4, NM_001127670.4 and 4 more transcripts); short protein forms P77Q.
Identifiers: ClinVar variation 3374384 (VCV003374384.2).
Genomic context (GRCh38, chr21:34,449,405, plus strand): 5'-GCCTGGACATAGGCCTTGTCCTTCTCTTGCCAGGCATCGGACTCGATGTAGACGTTGAAT[G>T]GGTCGTTCGAGTGCTCCAGCTTCTTGGAGCGGATGTAGCTCAGCATGATGCCCAGGGTGA-3'
Protein context (NP_000210.2, residues 67-87): RSKKLEHSND[Pro77Gln]FNVYIESDAW